The following continues an entry in ClinVar:

NM_000051.4(ATM):c.7775C>G (p.Ser2592Cys)

ClinVar aggregate classification (germline): Uncertain significance. Uncertain significance (11).

Submissions 11 to 13 of 13:

Women's Health and Genetics/Laboratory Corporation of America, LabCorp
Classification: Uncertain significance. Last evaluated: 2022-10-19. Review status: criteria provided, single submitter. Criteria: LabCorp Variant Classification Summary - May 2015. Collection method: clinical testing. Allele origin: germline.
Comment: Variant summary: ATM c.7775C>G (p.Ser2592Cys) results in a non-conservative amino acid change in the encoded protein sequence. Five of five in-silico tools predict a damaging effect of the variant on protein function. The variant allele was found at a frequency of 1.6e-05 in 250918 control chromosomes. The available data on variant occurrences in the general population are insufficient to allow any conclusion about variant significance. c.7775C>G has been reported in the literature as a heterozygous carrier genotype in individuals with a variety of cancers such as breast, non-Hodgkin lymphoma (NHL), Multiple primary tumors (MPTs), Prostate Cancer and other ATM-associated tumors (example, Dork_2001, Scott_2002, Bremer_2003, Meyer_2004, Sipahimalni_2007, Whitworth_2018, Karlsson_2021). These report(s) do not provide unequivocal conclusions about association of the variant with Ataxia-Telangiectasia/ATM-related cancers. At least one publication reports experimental evidence evaluating an impact on protein function demonstrating 1. a lack of ATM-kinase activity in vitro, 2. dominantly interfered with ATM kinase activity in wild type cells by preventing activation of endogenous ATM kinase in vitro and in vivo, 3. failed to correct the radiosensitivity and elevated chromosomal abberations in AT1ABR cells, lastly, 4. cells transfected with S2592C showed enhanced sensitivity to radiation similar to that of an AT cell line (Scott_2002). However, the data as presented in this study were not quantified to a residual activity. This study has been widely cited listing this as a "Kinase Dead" (KD) variant of ATM (example, Putti_2021). Seven clinical diagnostic laboratories have submitted clinical-significance assessments for this variant to ClinVar after 2014 (VUS, n=7; LP, n=1). Some submitters cite overlapping evidence utilized in the context of this evaluation. Based on the evidence outlined above, until additional consensus opinions around this variant evolve, the variant was classified as uncertain significance.

Natera, Inc.
Classification: Uncertain significance for Ataxia-telangiectasia. Last evaluated: 2021-06-08. Review status: no assertion criteria provided. Collection method: clinical testing. Allele origin: germline. Not counted in ClinVar's aggregate classification.

Academic Department of Medical Genetics, University of Cambridge
Classification: Likely pathogenic for Hereditary cancer-predisposing syndrome. Last evaluated: 2018-01-26. Review status: flagged submission. Criteria: ACMG Guidelines, 2015. Collection method: research. Allele origin: germline. Affected: yes. Observed: 1 heterozygote. Not counted in ClinVar's aggregate classification.
Comment: Application of AMCG guidelines 2015. Used other ClinVar submission evidence where relevant. Loss of heterozygosity in tumours or immunohistochemistry abnormalities considered functional evidence of pathogenicity.

Identified as part of research study of individuals with multiple primary tumours referred for genetic assessment
ClinVar note: Reason: Outlier claim with insufficient supporting evidence

Literature cited by the submitters: PubMed 11606401 (cited by 4 submitters); PubMed 11805335 (cited by 5 submitters); PubMed 17640065 (cited by 3 submitters); PubMed 19781682 (cited by 3 submitters); PubMed 28825054 (cited by 3 submitters); PubMed 29909963 (cited by 4 submitters); PubMed 26898890 (cited by Color Diagnostics, LLC DBA Color Health and Center for Genomic Medicine, Rigshospitalet, Copenhagen University Hospital); PubMed 28779002 (cited by Color Diagnostics, LLC DBA Color Health); PubMed 38263180 (cited by Color Diagnostics, LLC DBA Color Health); PubMed 11839094 (cited by Ambry Genetics and Women's Health and Genetics/Laboratory Corporation of America, LabCorp); PubMed 33436325 (cited by 3 submitters); PubMed 14643952 (cited by Women's Health and Genetics/Laboratory Corporation of America, LabCorp); PubMed 15450731 (cited by Women's Health and Genetics/Laboratory Corporation of America, LabCorp); PubMed 34771661 (cited by Women's Health and Genetics/Laboratory Corporation of America, LabCorp).